The following is an entry in ClinVar:

ClinVar aggregate classification (germline): Uncertain significance (1 of 4 stars; one submission).

Conditions:
Catecholaminergic polymorphic ventricular tachycardia (CVPT). Also called: Catecholamine-induced polymorphic ventricular tachycardia. Identifiers: Orphanet 3286, MedGen C5574922, MONDO:0017990.

Allele frequency attached by ClinVar (database versions not stated): gnomAD exomes below 0.00001; TOPMed below 0.00001.
gnomAD v4.1: 7 of 1,608,614 alleles (0.00044%); highest among the groups gnomAD compares: African/African-American, 0.0013%; no homozygotes.

Submission:

All of Us Research Program, National Institutes of Health
Classification: Uncertain significance for Catecholaminergic polymorphic ventricular tachycardia. Last evaluated: 2023-10-23. Review status: criteria provided, single submitter. Criteria: ACMG Guidelines, 2015. Collection method: clinical testing. Allele origin: germline. Inheritance: Autosomal dominant inheritance. Observed: 1 variant allele, 1 heterozygote.
Comment: This variant is located in the RYR2 protein. To our knowledge, functional studies have not been reported for this variant. This variant has not been reported in individuals affected with RYR2-related disorders in the literature. This variant has not been identified in the general population by the Genome Aggregation Database (gnomAD). The available evidence is insufficient to determine the role of this variant in disease conclusively. Therefore, this variant is classified as a Variant of Uncertain Significance.

This study involves interpretation of variants in research participants for the purpose of population health screening. Participant phenotype was not available at the time of variant classification. Additional details can be found in publication PMID: 35346344, PMCID: PMC8962531

NM_001035.3(RYR2):c.9405T>A (p.Thr3135=)

Gene: RYR2 (ryanodine receptor 2; plus strand). Cytogenetic location: 1q43.
Variant type: single nucleotide variant.
Coding change: c.9405T>A on transcript NM_001035.3 (MANE Select); coding-DNA position 9405, T replaced by A.
Protein change: p.Thr3135=; no amino-acid change (threonine 3135 retained).
Molecular consequence: synonymous variant.
Genome position (GRCh38, 1-based): chr1:237,702,015, T>A. VCF-style: chr1-237702015-T-A. GRCh37 (hg19) VCF-style: chr1-237865315-T-A.
Identifiers: ClinVar variation 3074120 (VCV003074120.1), dbSNP rs1285521756, ClinGen allele CA423818876.